The following is an entry in ClinVar:

ClinVar aggregate classification (germline): Benign (1 of 4 stars; one submission).

Conditions:
Microcephaly 7, primary, autosomal recessive. Identifiers: Orphanet 2512, MedGen C2675187, MONDO:0012989, OMIM 612703.

Allele frequency attached by ClinVar (database versions not stated): gnomAD exomes 0.00828; 1000 Genomes Project 0.07847; TOPMed 0.07848; 1000 Genomes Project 30x 0.08385.
gnomAD v4.1: 10,563 of 159,578 alleles (6.6%); highest among the groups gnomAD compares: African/African-American, 24%; 1,198 homozygotes.

Submission:

Illumina Laboratory Services, Illumina
Classification: Benign for Microcephaly 7, primary, autosomal recessive. Last evaluated: 2018-01-12. Review status: criteria provided, single submitter. Criteria: ICSL Variant Classification Criteria 13 December 2019. Collection method: clinical testing. Allele origin: germline.
Comment: This variant was observed in the ICSL laboratory as part of a predisposition screen in an ostensibly healthy population. It had not been previously curated by ICSL or reported in the Human Gene Mutation Database (HGMD: prior to June 1st, 2018), and was therefore a candidate for classification through an automated scoring system. Utilizing variant allele frequency, disease prevalence and penetrance estimates, and inheritance mode, an automated score was calculated to assess if this variant is too frequent to cause the disease. Based on the score and internal cut-off values, a variant classified as benign is not then subjected to further curation. The score for this variant resulted in a classification of benign for this disease.

NM_001048166.1(STIL):c.*577G>A

Gene: STIL (STIL centriolar assembly protein; minus strand). Cytogenetic location: 1p33.
Variant type: single nucleotide variant.
Coding change: c.*577G>A on transcript NM_001048166.1 (MANE Select); 577 bases downstream of the stop codon, G replaced by A.
Molecular consequence: 3 prime UTR variant.
Genome position (GRCh38, 1-based): chr1:47,250,559, C>T on the plus strand (G>A on the coding strand, the complement: STIL is on the minus strand). VCF-style: chr1-47250559-C-T. GRCh37 (hg19) VCF-style: chr1-47716231-C-T.
Other names: c.*577G>A (NM_001282936.1, NM_001282937.1, NM_001282938.1 and 2 more transcripts).
Identifiers: ClinVar variation 297546 (VCV000297546.5), dbSNP rs11211487, ClinGen allele CA10611338.